The following is an entry in ClinVar:

ClinVar aggregate classification (germline): Likely benign (1 of 4 stars; one submission).

Allele frequency attached by ClinVar (database versions not stated): ExAC 0.00031; TOPMed 0.00014; 1000 Genomes Project 30x 0.00016; gnomAD exomes 0.00016; 1000 Genomes Project 0.00020; gnomAD 0.00021.
gnomAD v4.1: 277 of 1,613,622 alleles (0.017%); highest among the groups gnomAD compares: Middle Eastern, 0.23%; 1 homozygote.

Submission:

CeGaT Center for Human Genetics Tuebingen
Classification: Likely benign. Last evaluated: 2023-02-01. Review status: criteria provided, single submitter. Criteria: CeGaT Center For Human Genetics Tuebingen Variant Classification Criteria Version 2. Collection method: clinical testing. Allele origin: germline. Affected: yes. Observed: 1 variant allele.
Comment: FRYL: BP4, BP7

NM_015030.2(FRYL):c.7632G>A (p.Arg2544=)

Gene: FRYL (FRY like transcription coactivator; minus strand). Cytogenetic location: 4p11.
Variant type: single nucleotide variant.
Coding change: c.7632G>A on transcript NM_015030.2 (MANE Select); coding-DNA position 7632, G replaced by A.
Protein change: p.Arg2544=; no amino-acid change (arginine 2544 retained).
Molecular consequence: synonymous variant.
Genome position (GRCh38, 1-based): chr4:48,521,105, C>T on the plus strand (G>A on the coding strand, the complement: FRYL is on the minus strand). VCF-style: chr4-48521105-C-T. GRCh37 (hg19) VCF-style: chr4-48523122-C-T.
Identifiers: ClinVar variation 2654751 (VCV002654751.24), dbSNP rs201717070, ClinGen allele CA2914079.